The following is an entry in ClinVar:

NM_004036.5(ADCY3):c.1798G>A (p.Ala600Thr)

Gene: ADCY3 (adenylate cyclase 3; minus strand). Cytogenetic location: 2p23.3.
Variant type: single nucleotide variant.
Coding change: c.1798G>A on transcript NM_004036.5 (MANE Select); coding-DNA position 1798, G replaced by A.
Protein change: p.Ala600Thr; replaces alanine 600 with threonine.
Molecular consequence: missense variant.
Genome position (GRCh38, 1-based): chr2:24,834,801, C>T on the plus strand (G>A on the coding strand, the complement: ADCY3 is on the minus strand). VCF-style: chr2-24834801-C-T. GRCh37 (hg19) VCF-style: chr2-25057670-C-T.
Other names: c.1798G>A, p.Ala600Thr (NM_001320613.2, NM_001377129.1, NM_001377130.1 and 1 more transcripts); c.1864G>A, p.Ala622Thr (NM_001377128.1); c.1075G>A, p.Ala359Thr (NM_001377131.1); short protein forms A359T, A600T, A622T.
Identifiers: ClinVar variation 2629035 (VCV002629035.3), dbSNP rs564626097, ClinGen allele CA1554015.

ClinVar aggregate classification (germline): Uncertain significance (0 of 4 stars; one submission).

Conditions:
ADCY3-related disorder. Also called: ADCY3-related condition.

Allele frequency attached by ClinVar (database versions not stated): gnomAD exomes 0.00001; ExAC 0.00005; gnomAD 0.00011; TOPMed 0.00028; 1000 Genomes Project 30x 0.00047; 1000 Genomes Project 0.00060.
gnomAD v4.1: 48 of 1,613,294 alleles (0.003%); highest among the groups gnomAD compares: Admixed American, 0.033%; no homozygotes.

Submission:

PreventionGenetics, part of Exact Sciences
Classification: Uncertain significance for ADCY3-related condition. Last evaluated: 2024-09-14. Review status: no assertion criteria provided. Collection method: clinical testing. Allele origin: germline.
Comment: The ADCY3 c.1798G>A variant is predicted to result in the amino acid substitution p.Ala600Thr. To our knowledge, this variant has not been reported in the literature. This variant is reported in 0.0047% of alleles in individuals of European (Non-Finnish) descent in gnomAD. At this time, the clinical significance of this variant is uncertain due to the absence of conclusive functional and genetic evidence.